The following is an entry in ClinVar:

ClinVar aggregate classification (germline): Uncertain significance. Review status: criteria provided, single submitter (1 of 4 stars). 2 submissions from 2 submitters: Uncertain significance (1). 1 of the submissions does not count toward it. Last evaluated 2022-08-23.

Conditions:
Jeune thoracic dystrophy. Also called: Jeune syndrome; Infantile thoracic dystrophy; Thoracic pelvic phalangeal dystrophy; Jeune's syndrome; Chondroectodermal dysplasia-like syndrome; Short-rib thoracic dysplasia. Identifiers: Orphanet 474, MedGen C0265275, MONDO:0018770.
Intellectual disability. Also called: intellectual disabilities; Intellectual developmental disorder; Intellectual functioning disability. Identifiers: MedGen C3714756, MeSH D008607, MONDO:0001071, HP:0001249.

Allele frequency attached by ClinVar (database versions not stated): gnomAD 0.00003 and 0.00004; TOPMed 0.00002; ESP Exome Variant Server 0.00008.
gnomAD v4.1: 27 of 1,612,426 alleles (0.0017%); highest among the groups gnomAD compares: East Asian, 0.0089%; no homozygotes.

Submissions (2):

Labcorp Genetics (formerly Invitae), Labcorp
Classification: Uncertain significance for Jeune thoracic dystrophy. Last evaluated: 2022-08-23. Review status: criteria provided, single submitter. Criteria: Invitae Variant Classification Sherloc (09022015). Collection method: clinical testing. Allele origin: germline.
Comment: This sequence change replaces arginine, which is basic and polar, with tryptophan, which is neutral and slightly polar, at codon 1253 of the DYNC2H1 protein (p.Arg1253Trp). This variant is present in population databases (rs375636006, gnomAD 0.003%). This variant has not been reported in the literature in individuals affected with DYNC2H1-related conditions. ClinVar contains an entry for this variant (Variation ID: 975388). Algorithms developed to predict the effect of missense changes on protein structure and function (SIFT, PolyPhen-2, Align-GVGD) all suggest that this variant is likely to be disruptive. In summary, the available evidence is currently insufficient to determine the role of this variant in disease. Therefore, it has been classified as a Variant of Uncertain Significance.

Centre de Biologie Pathologie Génétique, Centre Hospitalier Universitaire de Lille
Classification: Likely benign for Intellectual disability. Last evaluated: 2019-01-01. Review status: no assertion criteria provided. Collection method: clinical testing. Allele origin: inherited. Affected: yes. Not counted in ClinVar's aggregate classification.

NM_001377.3(DYNC2H1):c.3757C>T (p.Arg1253Trp)

Gene: DYNC2H1 (dynein cytoplasmic 2 heavy chain 1; plus strand). Cytogenetic location: 11q22.3.
Variant type: single nucleotide variant.
Coding change: c.3757C>T on transcript NM_001377.3 (MANE Select); coding-DNA position 3757, C replaced by T.
Protein change: p.Arg1253Trp; replaces arginine 1253 with tryptophan.
Molecular consequence: missense variant.
Genome position (GRCh38, 1-based): chr11:103,156,400, C>T. VCF-style: chr11-103156400-C-T. GRCh37 (hg19) VCF-style: chr11-103027129-C-T.
Other names: c.3757C>T, p.Arg1253Trp (NM_001080463.2); short protein forms R1253W.
Identifiers: ClinVar variation 975388 (VCV000975388.7), dbSNP rs375636006, ClinGen allele CA6253401.